The following is an entry in ClinVar:

ClinVar aggregate classification (germline): Uncertain significance (1 of 4 stars; one submission).

gnomAD v4.1: 14 of 1,604,092 alleles (0.00087%); highest among the groups gnomAD compares: Admixed American, 0.0083%; no homozygotes.

Submission:

Labcorp Genetics (formerly Invitae), Labcorp
Classification: Uncertain significance. Last evaluated: 2025-09-30. Review status: criteria provided, single submitter. Criteria: Invitae Variant Classification Sherloc (09022015). Collection method: clinical testing. Allele origin: germline.
Comment: This sequence change creates a premature translational stop signal (p.Arg256*) in the IL12RB2 gene. It is expected to result in an absent or disrupted protein product. However, the current clinical and genetic evidence is not sufficient to establish whether loss-of-function variants in IL12RB2 cause disease. This variant is present in population databases (rs771578695, gnomAD 0.006%). This variant has not been reported in the literature in individuals affected with IL12RB2-related conditions. ClinVar contains an entry for this variant (Variation ID: 3714202). In summary, the available evidence is currently insufficient to determine the role of this variant in disease. Therefore, it has been classified as a Variant of Uncertain Significance.

NM_001374259.2(IL12RB2):c.766C>T (p.Arg256Ter)

Gene: IL12RB2 (interleukin 12 receptor subunit beta 2; plus strand). Cytogenetic location: 1p31.3.
Variant type: single nucleotide variant.
Coding change: c.766C>T on transcript NM_001374259.2 (MANE Select); coding-DNA position 766, C replaced by T.
Protein change: p.Arg256Ter; replaces arginine 256 with a stop codon.
Molecular consequence: nonsense. On other transcripts: non-coding transcript variant (2).
Genome position (GRCh38, 1-based): chr1:67,329,688, C>T. VCF-style: chr1-67329688-C-T. GRCh37 (hg19) VCF-style: chr1-67795371-C-T.
Other names: c.766C>T, p.Arg256Ter (NM_001258214.1, NM_001258215.1, NM_001258216.1 and 2 more transcripts); short protein forms R256*.
Identifiers: ClinVar variation 3714202 (VCV003714202.2).
Genomic context (GRCh38, chr1:67,329,688, plus strand): 5'-AAGGCTTCTGTGAGCAGATGTACCCTTTATTGGAGAGATGAGGGACTGGTACTGCTTAAT[C>T]GACTCAGATATCGGCCCAGTAACAGCAGGCTCTGGAATATGGTAATTATCTTTAGAGTGA-3'